The following is an entry in ClinVar:

ClinVar aggregate classification (germline): Likely benign. Review status: criteria provided, multiple submitters, no conflicts (2 of 4 stars). 6 submissions from 6 submitters: Likely benign (5). 1 of the submissions does not count toward it. Last evaluated 2026-07-01.

Conditions:
VPS13C-related disorder. Also called: VPS13C-related condition.

Allele frequency attached by ClinVar (database versions not stated): TOPMed 0.00124; 1000 Genomes Project 30x 0.00156; 1000 Genomes Project 0.00160; ESP Exome Variant Server 0.00177.
gnomAD v4.1: 3,008 of 1,594,844 alleles (0.19%); highest among the groups gnomAD compares: Middle Eastern, 0.97%; 8 homozygotes.

Submissions (6):

CeGaT Center for Human Genetics Tuebingen
Classification: Likely benign. Last evaluated: 2026-07-01. Review status: criteria provided, single submitter. Criteria: CeGaT Center For Human Genetics Tuebingen Variant Classification Criteria Version 2. Collection method: clinical testing. Allele origin: germline. Affected: yes. Observed: 11 variant alleles.
Comment: VPS13C: BP4, BS2

Labcorp Genetics (formerly Invitae), Labcorp
Classification: Likely benign. Last evaluated: 2025-11-23. Review status: criteria provided, single submitter. Criteria: Invitae Variant Classification Sherloc (09022015). Collection method: clinical testing. Allele origin: germline.

Genomic Medicine Center of Excellence, King Faisal Specialist Hospital and Research Centre
Classification: Likely benign. Last evaluated: 2025-08-18. Review status: criteria provided, single submitter. Criteria: ACMG Guidelines, 2015. Collection method: clinical testing. Allele origin: germline.

Blueprint Genetics
Classification: Likely benign. Last evaluated: 2024-11-20. Review status: criteria provided, single submitter. Criteria: ACMG Guidelines, 2015. Collection method: clinical testing. Allele origin: germline.

Breakthrough Genomics
Classification: Likely benign. Review status: criteria provided, single submitter. Criteria: ACMG Guidelines, 2015. Collection method: not provided. Allele origin: germline. Inheritance: Autosomal recessive inheritance. Affected: yes.

PreventionGenetics, part of Exact Sciences
Classification: Likely benign for VPS13C-related condition. Last evaluated: 2019-07-29. Review status: no assertion criteria provided. Collection method: clinical testing. Allele origin: germline. Not counted in ClinVar's aggregate classification.
Comment: This variant is classified as likely benign based on ACMG/AMP sequence variant interpretation guidelines (Richards et al. 2015 PMID: 25741868, with internal and published modifications).

NM_020821.3(VPS13C):c.9526C>G (p.Arg3176Gly)

Gene: VPS13C (vacuolar protein sorting 13 homolog C; minus strand). Cytogenetic location: 15q22.2.
Variant type: single nucleotide variant.
Coding change: c.9526C>G on transcript NM_020821.3 (MANE Select); coding-DNA position 9526, C replaced by G.
Protein change: p.Arg3176Gly; replaces arginine 3176 with glycine.
Molecular consequence: missense variant.
Genome position (GRCh38, 1-based): chr15:61,882,694, G>C on the plus strand (C>G on the coding strand, the complement: VPS13C is on the minus strand). VCF-style: chr15-61882694-G-C. GRCh37 (hg19) VCF-style: chr15-62174893-G-C.
Other names: c.9526C>G, p.Arg3176Gly (NM_001018088.3); c.9397C>G, p.Arg3133Gly (NM_017684.5, NM_018080.4); short protein forms R3133G, R3176G.
Identifiers: ClinVar variation 717716 (VCV000717716.35), dbSNP rs115741196, ClinGen allele CA7594619.